The following is an entry in ClinVar:

NM_001098531.4(RAPGEF3):c.1779T>C (p.Asp593=)

Gene: RAPGEF3 (Rap guanine nucleotide exchange factor 3; minus strand). Cytogenetic location: 12q13.11.
Variant type: single nucleotide variant.
Coding change: c.1779T>C on transcript NM_001098531.4 (MANE Select); coding-DNA position 1779, T replaced by C.
Protein change: p.Asp593=; no amino-acid change (aspartic acid 593 retained).
Molecular consequence: synonymous variant.
Genome position (GRCh38, 1-based): chr12:47,743,576, A>G on the plus strand (T>C on the coding strand, the complement: RAPGEF3 is on the minus strand). VCF-style: chr12-47743576-A-G. GRCh37 (hg19) VCF-style: chr12-48137359-A-G.
Other names: c.1653T>C, p.Asp551= (NM_001098532.2, NM_006105.5).
Identifiers: ClinVar variation 2642919 (VCV002642919.24), dbSNP rs140273815, ClinGen allele CA6531614.

ClinVar aggregate classification (germline): Likely benign (1 of 4 stars; one submission).

Allele frequency attached by ClinVar (database versions not stated): 1000 Genomes Project 30x 0.00062; 1000 Genomes Project 0.00080; TOPMed 0.00180; gnomAD 0.00208; ESP Exome Variant Server 0.00238; ExAC 0.00239; gnomAD exomes 0.00258.
gnomAD v4.1: 4,044 of 1,614,150 alleles (0.25%); highest among the groups gnomAD compares: Non-Finnish European, 0.28%; 7 homozygotes.

Submission:

CeGaT Center for Human Genetics Tuebingen
Classification: Likely benign. Last evaluated: 2023-03-01. Review status: criteria provided, single submitter. Criteria: CeGaT Center For Human Genetics Tuebingen Variant Classification Criteria Version 2. Collection method: clinical testing. Allele origin: germline. Affected: yes. Observed: 1 variant allele.
Comment: RAPGEF3: BP4, BP7